The following is an entry in ClinVar:

ClinVar aggregate classification (germline): Uncertain significance (0 of 4 stars; one submission).

Conditions:
CILK1-related disorder. Also called: CILK1-related condition.

gnomAD v4.1: 5 of 1,614,198 alleles (0.00031%); highest among the groups gnomAD compares: East Asian, 0.0089%; no homozygotes.

Submission:

PreventionGenetics, part of Exact Sciences
Classification: Uncertain significance for CILK1-related condition. Last evaluated: 2024-03-29. Review status: no assertion criteria provided. Collection method: clinical testing. Allele origin: germline.
Comment: The CILK1 c.1828C>T variant is predicted to result in the amino acid substitution p.Pro610Ser. To our knowledge, this variant has not been reported in the literature. This variant is reported in 0.00088% of alleles in individuals of European (Non-Finnish) descent in gnomAD. At this time, the clinical significance of this variant is uncertain due to the absence of conclusive functional and genetic evidence.

NM_014920.5(CILK1):c.1828C>T (p.Pro610Ser)

Gene: CILK1 (ciliogenesis associated kinase 1; minus strand). Cytogenetic location: 6p12.1.
Variant type: single nucleotide variant.
Coding change: c.1828C>T on transcript NM_014920.5 (MANE Select); coding-DNA position 1828, C replaced by T.
Protein change: p.Pro610Ser; replaces proline 610 with serine.
Molecular consequence: missense variant. On other transcripts: non-coding transcript variant (1).
Genome position (GRCh38, 1-based): chr6:53,005,220, G>A on the plus strand (C>T on the coding strand, the complement: CILK1 is on the minus strand). VCF-style: chr6-53005220-G-A. GRCh37 (hg19) VCF-style: chr6-52870018-G-A.
Other names: c.1849C>T, p.Pro617Ser (NM_001375397.1); c.1828C>T, p.Pro610Ser (NM_001375398.1, NM_001375399.1, NM_001375400.1 and 3 more transcripts); short protein forms P610S, P617S.
Identifiers: ClinVar variation 3347312 (VCV003347312.1).